The following is an entry in ClinVar:

NM_001035.3(RYR2):c.53A>T (p.Asp18Val)

Gene: RYR2 (ryanodine receptor 2; plus strand). Cytogenetic location: 1q43.
Variant type: single nucleotide variant.
Coding change: c.53A>T on transcript NM_001035.3 (MANE Select); coding-DNA position 53, A replaced by T.
Protein change: p.Asp18Val; replaces aspartic acid 18 with valine.
Molecular consequence: missense variant.
Genome position (GRCh38, 1-based): chr1:237,270,501, A>T. VCF-style: chr1-237270501-A-T. GRCh37 (hg19) VCF-style: chr1-237433801-A-T.
Other names: short protein forms D18V.
Identifiers: ClinVar variation 4074532 (VCV004074532.2).

ClinVar aggregate classification (germline): Uncertain significance (1 of 4 stars; one submission).

Submission:

GeneDx
Classification: Uncertain significance. Last evaluated: 2025-12-14. Review status: criteria provided, single submitter. Criteria: GeneDx Variant Classification Process June 2021. Collection method: clinical testing. Allele origin: germline.
Comment: Not observed at significant frequency in large population cohorts (gnomAD); In silico analysis supports that this missense variant has a deleterious effect on protein structure/function; Not located in one of the three hot-spot regions of the RYR2 gene, where the majority of pathogenic missense variants occur (PMID: 19926015); Has not been previously published as pathogenic or benign to our knowledge; This variant is associated with the following publications: (PMID: 19926015)